The following is an entry in ClinVar:

ClinVar aggregate classification (germline): Likely benign. Review status: criteria provided, multiple submitters, no conflicts (2 of 4 stars). 3 submissions from 3 submitters: Likely benign (3). Last evaluated 2018-06-16.

Allele frequency attached by ClinVar (database versions not stated): gnomAD exomes 0.00180; ExAC 0.00352; ESP Exome Variant Server 0.00575; gnomAD 0.01269 and 0.01354; 1000 Genomes Project 0.01338; 1000 Genomes Project 30x 0.01374; TOPMed 0.01428.
gnomAD v4.1: 3,426 of 1,532,890 alleles (0.22%); highest among the groups gnomAD compares: African/African-American, 4.4%; 62 homozygotes.

Submissions (4):

GeneDx
Classification: Likely benign. Last evaluated: 2018-06-16. Review status: criteria provided, single submitter. Criteria: GeneDx Variant Classification (06012015). Collection method: clinical testing. Allele origin: germline. Affected: yes.
Comment: This variant is considered likely benign or benign based on one or more of the following criteria: it is a conservative change, it occurs at a poorly conserved position in the protein, it is predicted to be benign by multiple in silico algorithms, and/or has population frequency not consistent with disease.

Center for Pediatric Genomic Medicine, Children's Mercy Hospital and Clinics
Classification: Likely benign. Last evaluated: 2015-06-04. Review status: criteria provided, single submitter. Criteria: ACMG Guidelines, 2015. Collection method: clinical testing. Allele origin: germline.
ClinVar note: Converted during submission from Likely Benign to Likely benign.

Breakthrough Genomics
Classification: Likely benign. Review status: criteria provided, single submitter. Criteria: ACMG Guidelines, 2015. Collection method: not provided. Allele origin: germline. Inheritance: Autosomal recessive inheritance. Affected: yes.

Dr. Peter K. Rogan Lab, Western University
No classification provided (evidence only). Condition: Thymoma. Review status: no classification provided. Collection method: in vitro. Allele origin: not applicable. Functional consequence: retained intron. Not counted in ClinVar's aggregate classification.

NM_203447.4(DOCK8):c.53+52T>G

Genes: DOCK8 (dedicator of cytokinesis 8; plus strand), DOCK8-AS1 (DOCK8 antisense RNA 1; minus strand). Cytogenetic location: 9p24.3.
Variant type: single nucleotide variant.
Coding change: c.53+52T>G on transcript NM_203447.4 (MANE Select); 52 bases into the intron after coding-DNA position 53, T replaced by G.
Molecular consequence: intron variant. On other transcripts: non-coding transcript variant (1).
Genome position (GRCh38, 1-based): chr9:215,081, T>G. VCF-style: chr9-215081-T-G. GRCh37 (hg19) VCF-style: chr9-215081-T-G.
Identifiers: ClinVar variation 235456 (VCV000235456.6), dbSNP rs192260189, ClinGen allele CA4956957.